The following is an entry in ClinVar:

NM_002878.4(RAD51D):c.481-1G>T

Genes: RAD51L3-RFFL (RAD51L3-RFFL readthrough; minus strand), RAD51D (RAD51 paralog D; minus strand). Cytogenetic location: 17q12.
Variant type: single nucleotide variant.
Coding change: c.481-1G>T on transcript NM_002878.4 (MANE Select); the canonical splice acceptor site of the intron before coding-DNA position 481, G replaced by T.
Molecular consequence: splice acceptor variant.
Genome position (GRCh38, 1-based): chr17:35,106,482, C>A on the plus strand (G>T on the coding strand, the complement: RAD51D is on the minus strand). VCF-style: chr17-35106482-C-A. GRCh37 (hg19) VCF-style: chr17-33433501-C-A.
Other names: c.145-1G>T (NM_133629.3); c.541-1G>T (NM_001142571.2).
Identifiers: ClinVar variation 1743291 (VCV001743291.10), dbSNP rs2091605445, ClinGen allele CA399089091.
Genomic context (GRCh38, chr17:35,106,482, plus strand): 5'-ATCCAGCATCTGGAAGATGTCAAATGCATGCACCACCTGGATCCTCCGGAGAGCTTCTGC[C>A]TGAAGCGGTGGAAAAGAAAAGCAAGGACTTTGGATAAGAGGGAGTAGGGGGGTCAAGGTA-3'

ClinVar aggregate classification (germline): Conflicting classifications of pathogenicity. Review status: criteria provided, conflicting classifications (1 of 4 stars). 4 submissions from 4 submitters: Likely pathogenic (3); Uncertain significance (1). Last evaluated 2026-05-19.

Conditions:
Hereditary cancer-predisposing syndrome. Also called: Neoplastic Syndromes, Hereditary; Tumor predisposition; Hereditary Cancer Syndrome; Hereditary neoplastic syndrome. Identifiers: Orphanet 140162, MedGen C0027672, MeSH D009386, MONDO:0015356.
Breast-ovarian cancer, familial, susceptibility to, 4. Identifiers: Orphanet 145, MedGen C3280345, MONDO:0013669, OMIM 614291.

Allele frequency attached by ClinVar (database versions not stated): gnomAD exomes below 0.00001.
gnomAD v4.1: 1 of 1,610,608 alleles (0.000062%); highest among the groups gnomAD compares: South Asian, 0.0011%; no homozygotes.

Submissions (4):

Ambry Genetics
Classification: Uncertain significance for Hereditary cancer-predisposing syndrome. Last evaluated: 2026-05-19. Review status: criteria provided, single submitter. Criteria: Ambry Variant Classification Scheme 2023. Collection method: clinical testing. Allele origin: germline.
Comment: The c.481-1G>T intronic variant results from a G to T substitution one nucleotide upstream from coding exon 6 of the RAD51D gene. Variants that disrupt the canonical splice site are expected to result in aberrant splicing. In silico splice site analysis predicts that this alteration will weaken the native splice acceptor site and will result in the creation or strengthening of a novel splice acceptor site. A resulting transcript is predicted to be in-frame and is not expected to trigger nonsense-mediated mRNAdecay; although, direct evidence is unavailable. This nucleotide position is highly conserved in available vertebrate species. Based on the available evidence, the clinical significance of this variant remains unclear.

Baylor Genetics
Classification: Likely pathogenic for Breast-ovarian cancer, familial, susceptibility to, 4. Last evaluated: 2023-03-10. Review status: criteria provided, single submitter. Criteria: ACMG Guidelines, 2015. Collection method: clinical testing. Allele origin: unknown.

Myriad Genetics, Inc.
Classification: Likely pathogenic for Breast-ovarian cancer, familial, susceptibility to, 4. Last evaluated: 2023-01-12. Review status: criteria provided, single submitter. Criteria: Myriad Autosomal Dominant, Autosomal Recessive and X-Linked Classification Criteria (2023). Collection method: clinical testing. Allele origin: unknown.
Comment: This variant is considered likely pathogenic. This variant occurs within a consensus splice junction and is predicted to result in abnormal mRNA splicing of either an out-of-frame exon or an in-frame exon necessary for protein stability and/or normal function.

Labcorp Genetics (formerly Invitae), Labcorp
Classification: Likely pathogenic for Breast-ovarian cancer, familial, susceptibility to, 4. Last evaluated: 2022-08-21. Review status: criteria provided, single submitter. Criteria: Invitae Variant Classification Sherloc (09022015). Collection method: clinical testing. Allele origin: germline.
Comment: This sequence change affects an acceptor splice site in intron 5 of the RAD51D gene. It is expected to disrupt RNA splicing. Variants that disrupt the donor or acceptor splice site typically lead to a loss of protein function (PMID: 16199547), and loss-of-function variants in RAD51D are known to be pathogenic (PMID: 21822267). This variant is not present in population databases (gnomAD no frequency). This variant has not been reported in the literature in individuals affected with RAD51D-related conditions. Algorithms developed to predict the effect of sequence changes on RNA splicing suggest that this variant may disrupt the consensus splice site. In summary, the currently available evidence indicates that the variant is pathogenic, but additional data are needed to prove that conclusively. Therefore, this variant has been classified as Likely Pathogenic.

Literature cited by the submitters: PubMed 16199547 (cited by Labcorp Genetics (formerly Invitae), Labcorp); PubMed 21822267 (cited by Labcorp Genetics (formerly Invitae), Labcorp).